The following is an entry in ClinVar:

NM_000018.4(ACADVL):c.271C>T (p.Pro91Ser)

Gene: ACADVL (acyl-CoA dehydrogenase very long chain; plus strand). Cytogenetic location: 17p13.1.
Variant type: single nucleotide variant.
Coding change: c.271C>T on transcript NM_000018.4 (MANE Select); coding-DNA position 271, C replaced by T.
Protein change: p.Pro91Ser; replaces proline 91 with serine.
Molecular consequence: missense variant.
Genome position (GRCh38, 1-based): chr17:7,220,670, C>T. VCF-style: chr17-7220670-C-T. GRCh37 (hg19) VCF-style: chr17-7123989-C-T.
Other names: c.205C>T, p.Pro69Ser (NM_001033859.3); c.340C>T, p.Pro114Ser (NM_001270447.2); c.43C>T, p.Pro15Ser (NM_001270448.2); short protein forms P91S, P114S, P15S, P69S.
Identifiers: ClinVar variation 92282 (VCV000092282.9), dbSNP rs398123087, ClinGen allele CA220204.

ClinVar aggregate classification (germline): Uncertain significance. Review status: criteria provided, multiple submitters, no conflicts (2 of 4 stars). 3 submissions from 3 submitters: Uncertain significance (3). Last evaluated 2024-04-25.

Conditions:
Very long chain acyl-CoA dehydrogenase deficiency (ACADVLD). Also called: VLCAD Deficiency; Very Long-Chain Acyl-Coenzyme A Dehydrogenase Deficiency. Identifiers: Orphanet 26793, MedGen C3887523, MONDO:0008723, OMIM 201475.

Allele frequency attached by ClinVar (database versions not stated): gnomAD exomes below 0.00001; ExAC 0.00001.
gnomAD v4.1: 6 of 1,614,152 alleles (0.00037%); highest among the groups gnomAD compares: Non-Finnish European, 0.00051%; no homozygotes.

Submissions (3):

Labcorp Genetics (formerly Invitae), Labcorp
Classification: Uncertain significance for Very long chain acyl-CoA dehydrogenase deficiency. Last evaluated: 2024-04-25. Review status: criteria provided, single submitter. Criteria: Invitae Variant Classification Sherloc (09022015). Collection method: clinical testing. Allele origin: germline.
Comment: This sequence change replaces proline, which is neutral and non-polar, with serine, which is neutral and polar, at codon 91 of the ACADVL protein (p.Pro91Ser). This variant is present in population databases (rs398123087, gnomAD 0.0009%). This variant has not been reported in the literature in individuals affected with ACADVL-related conditions. ClinVar contains an entry for this variant (Variation ID: 92282). Advanced modeling of protein sequence and biophysical properties (such as structural, functional, and spatial information, amino acid conservation, physicochemical variation, residue mobility, and thermodynamic stability) performed at Invitae indicates that this missense variant is expected to disrupt ACADVL protein function with a positive predictive value of 95%. In summary, the available evidence is currently insufficient to determine the role of this variant in disease. Therefore, it has been classified as a Variant of Uncertain Significance.

Wong Mito Lab, Molecular and Human Genetics, Baylor College of Medicine
Classification: Uncertain significance for Very long chain acyl-CoA dehydrogenase deficiency. Last evaluated: 2019-11-01. Review status: criteria provided, single submitter. Criteria: ACMG Guidelines, 2015. Collection method: clinical testing. Allele origin: germline.
Comment: The NM_000018.3:c.271C>T (NP_000009.1:p.Pro91Ser) [GRCH38: NC_000017.11:g.7220670C>T] variant in ACADVL gene is interpretated to be Uncertain Significance based on ACMG guidelines (PMID: 25741868). This variant has been reported. This variant meets the following evidence codes reported in the ACMG guidelines: PP3

Eurofins Ntd Llc (ga)
Classification: Uncertain significance. Last evaluated: 2013-07-01. Review status: criteria provided, single submitter. Criteria: EGL Classification Definitions 2015. Collection method: clinical testing. Allele origin: germline. Observed: 1 variant allele, 1 heterozygote.